The following is an entry in ClinVar:

ClinVar aggregate classification (germline): Pathogenic (1 of 4 stars; one submission).

Allele frequency attached by ClinVar (database versions not stated): TOPMed below 0.00001; gnomAD 0.00001; ExAC 0.00002.
gnomAD v4.1: 8 of 1,613,942 alleles (0.0005%); highest among the groups gnomAD compares: South Asian, 0.0055%; no homozygotes.

Submission:

Labcorp Genetics (formerly Invitae), Labcorp
Classification: Pathogenic. Last evaluated: 2025-01-07. Review status: criteria provided, single submitter. Criteria: Invitae Variant Classification Sherloc (09022015). Collection method: clinical testing. Allele origin: germline.
Comment: This sequence change creates a premature translational stop signal (p.Arg2263*) in the NBAS gene. It is expected to result in an absent or disrupted protein product. Loss-of-function variants in NBAS are known to be pathogenic (PMID: 26073778, 26541327, 27789416, 28031453). This variant is present in population databases (rs746756510, gnomAD 0.006%). This variant has not been reported in the literature in individuals affected with NBAS-related conditions. ClinVar contains an entry for this variant (Variation ID: 1943337). For these reasons, this variant has been classified as Pathogenic.

Literature cited by the submitters: PubMed 26073778; PubMed 26541327; PubMed 27789416; PubMed 28031453.

NM_015909.4(NBAS):c.6787C>T (p.Arg2263Ter)

Gene: NBAS (NBAS subunit of NRZ tethering complex; minus strand). Cytogenetic location: 2p24.3.
Variant type: single nucleotide variant.
Coding change: c.6787C>T on transcript NM_015909.4 (MANE Select); coding-DNA position 6787, C replaced by T.
Protein change: p.Arg2263Ter; replaces arginine 2263 with a stop codon.
Molecular consequence: nonsense. On other transcripts: non-coding transcript variant (1).
Genome position (GRCh38, 1-based): chr2:15,179,041, G>A on the plus strand (C>T on the coding strand, the complement: NBAS is on the minus strand). VCF-style: chr2-15179041-G-A. GRCh37 (hg19) VCF-style: chr2-15319165-G-A.
Other names: short protein forms R2263*.
Identifiers: ClinVar variation 1943337 (VCV001943337.5), dbSNP rs746756510, ClinGen allele CA1534884.